The following is an entry in ClinVar:

NM_000066.4(C8B):c.138del (p.Phe47fs)

Gene: C8B (complement C8 beta chain; minus strand). Cytogenetic location: 1p32.2.
Variant type: Deletion.
Coding change: c.138del on transcript NM_000066.4 (MANE Select); coding-DNA position 138, one base deleted (C; older notation c.138delC).
Protein change: p.Phe47fs; shifts the reading frame from phenylalanine 47.
Molecular consequence: frameshift variant. On other transcripts: 5 prime UTR variant (2).
Genome position (GRCh38, 1-based): chr1:56,960,131, G deleted on the plus strand (C on the coding strand, the reverse complement: C8B is on the minus strand). VCF-style (leftmost placement, unchanged base first): chr1-56960130-AG-A. GRCh37 (hg19) VCF-style: chr1-57425803-AG-A.
Other names: c.-19del (NM_001278543.2); c.-178del (NM_001278544.2); short protein forms F47fs.
Identifiers: ClinVar variation 2174163 (VCV002174163.5), dbSNP rs779205550, ClinGen allele CA876089.

ClinVar aggregate classification (germline): Pathogenic/Likely pathogenic. Review status: criteria provided, multiple submitters, no conflicts (2 of 4 stars). 2 submissions from 2 submitters: Pathogenic (1); Likely pathogenic (1). Last evaluated 2025-03-17.

Conditions:
Type II complement component 8 deficiency. Also called: COMPLEMENT C8 DEFICIENCY, TYPE II; C8 BETA DEFICIENCY; C8B DEFICIENCY; COMPLEMENT COMPONENT 8B DEFICIENCY. Identifiers: MedGen C3151080, MONDO:0013421, OMIM 613789.

Allele frequency attached by ClinVar (database versions not stated): gnomAD exomes below 0.00001; ExAC 0.00001; gnomAD 0.00001; TOPMed 0.00001.

Submissions (2):

Labcorp Genetics (formerly Invitae), Labcorp
Classification: Pathogenic. Last evaluated: 2025-03-17. Review status: criteria provided, single submitter. Criteria: Invitae Variant Classification Sherloc (09022015). Collection method: clinical testing. Allele origin: germline.
Comment: This sequence change creates a premature translational stop signal (p.Phe47Leufs*14) in the C8B gene. It is expected to result in an absent or disrupted protein product. Loss-of-function variants in C8B are known to be pathogenic (PMID: 7594510). This variant is present in population databases (rs779205550, gnomAD 0.0009%). This premature translational stop signal has been observed in individual(s) with C8B-related conditions (PMID: 28368462, 31440263). ClinVar contains an entry for this variant (Variation ID: 2174163). Algorithms developed to predict the effect of sequence changes on RNA splicing suggest that this variant may disrupt the consensus splice site. For these reasons, this variant has been classified as Pathogenic.

Laboratorio de Genetica e Diagnostico Molecular, Hospital Israelita Albert Einstein
Classification: Likely pathogenic for Type II complement component 8 deficiency. Last evaluated: 2023-10-27. Review status: criteria provided, single submitter. Criteria: ACMG Guidelines, 2015. Collection method: clinical testing. Allele origin: germline. Affected: yes.
Comment: ACMG classification criteria: PVS1 very strong, PM2 moderate

Literature cited by the submitters: PubMed 7594510 (cited by Labcorp Genetics (formerly Invitae), Labcorp); PubMed 28368462 (cited by Labcorp Genetics (formerly Invitae), Labcorp); PubMed 31440263 (cited by Labcorp Genetics (formerly Invitae), Labcorp).